The following is an entry in ClinVar:

NM_020529.3(NFKBIA):c.499T>C (p.Cys167Arg)

Gene: NFKBIA (NFKB inhibitor alpha; minus strand). Cytogenetic location: 14q13.2.
Variant type: single nucleotide variant.
Coding change: c.499T>C on transcript NM_020529.3 (MANE Select); coding-DNA position 499, T replaced by C.
Protein change: p.Cys167Arg; replaces cysteine 167 with arginine.
Molecular consequence: missense variant.
Genome position (GRCh38, 1-based): chr14:35,403,198, A>G on the plus strand (T>C on the coding strand, the complement: NFKBIA is on the minus strand). VCF-style: chr14-35403198-A-G. GRCh37 (hg19) VCF-style: chr14-35872404-A-G.
Other names: short protein forms C167R.
Identifiers: ClinVar variation 2742287 (VCV002742287.3), dbSNP rs1218249468, ClinGen allele CA389452950.
Genomic context (GRCh38, chr14:35,403,198, plus strand): 5'-AGGCAGACATACCATTGTAGTTGGTAGCCTTCAGGATGGAGTGGAGGTGCGGGGTGGTGC[A>G]GGACTGAGTCAGGACTCCCACGCTGGCCAGGCAGCCCTGCTCACAGGCAAGGTGTAGGGG-3'
Protein context (NP_065390.1, residues 157-177): LASVGVLTQS[Cys167Arg]TTPHLHSILK

ClinVar aggregate classification (germline): Uncertain significance (1 of 4 stars; one submission).

Conditions:
Ectodermal dysplasia and immunodeficiency 2. Identifiers: Orphanet 238468, Orphanet 98813, MedGen C2677481, MONDO:0012806, OMIM 612132.

Allele frequency attached by ClinVar (database versions not stated): gnomAD exomes below 0.00001.

Submission:

Labcorp Genetics (formerly Invitae), Labcorp
Classification: Uncertain significance for Ectodermal dysplasia and immunodeficiency 2. Last evaluated: 2022-12-09. Review status: criteria provided, single submitter. Criteria: Invitae Variant Classification Sherloc (09022015). Collection method: clinical testing. Allele origin: germline.
Comment: This sequence change replaces cysteine, which is neutral and slightly polar, with arginine, which is basic and polar, at codon 167 of the NFKBIA protein (p.Cys167Arg). This variant is present in population databases (no rsID available, gnomAD 0.006%). This variant has not been reported in the literature in individuals affected with NFKBIA-related conditions. Algorithms developed to predict the effect of missense changes on protein structure and function output the following: SIFT: "Tolerated"; PolyPhen-2: "Benign"; Align-GVGD: "Class C0". The arginine amino acid residue is found in multiple mammalian species, which suggests that this missense change does not adversely affect protein function. In summary, the available evidence is currently insufficient to determine the role of this variant in disease. Therefore, it has been classified as a Variant of Uncertain Significance.